The following is an entry in ClinVar:

ClinVar aggregate classification (germline): Uncertain significance (1 of 4 stars; one submission).

Conditions:
Hereditary sensory and autonomic neuropathy type 6. Also called: Neuropathy, hereditary sensory and autonomic, type VI; HSAN VI. Identifiers: Orphanet 314381, MedGen C3539003, MONDO:0013839, OMIM 614653.
Epidermolysis bullosa simplex 3, localized or generalized intermediate, with BP230 deficiency (EBS3). Also called: Epidermolysis bullosa simplex, autosomal recessive 2; Epidermolysis bullosa simplex due to BP230 deficiency. Identifiers: Orphanet 412181, MedGen C3809470, MONDO:0014180, OMIM 615425.

Submission:

Labcorp Genetics (formerly Invitae), Labcorp
Classification: Uncertain significance for Epidermolysis bullosa simplex 3, localized or generalized intermediate, with BP230 deficiency; Hereditary sensory and autonomic neuropathy type 6. Last evaluated: 2019-10-02. Review status: criteria provided, single submitter. Criteria: Invitae Variant Classification Sherloc (09022015). Collection method: clinical testing. Allele origin: germline.
Comment: This sequence change replaces glutamic acid with glutamine at codon 1743 of the DST protein (p.Glu1743Gln). The glutamic acid residue is weakly conserved and there is a small physicochemical difference between glutamic acid and glutamine. This variant is not present in population databases (ExAC no frequency). This variant has not been reported in the literature in individuals with DST-related conditions. Algorithms developed to predict the effect of missense changes on protein structure and function are either unavailable or do not agree on the potential impact of this missense change (SIFT: "Tolerated"; PolyPhen-2: "Probably Damaging"; Align-GVGD: "Class C0"). In summary, the available evidence is currently insufficient to determine the role of this variant in disease. Therefore, it has been classified as a Variant of Uncertain Significance.

NM_001723.7(DST):c.5227G>C (p.Glu1743Gln)

Gene: DST (dystonin; minus strand). Cytogenetic location: 6p12.1.
Variant type: single nucleotide variant.
Coding change: c.5227G>C on transcript NM_001723.7 (MANE Plus Clinical); coding-DNA position 5227, G replaced by C.
Protein change: p.Glu1743Gln; replaces glutamic acid 1743 with glutamine.
Molecular consequence: missense variant. On other transcripts: intron variant (10).
Genome position (GRCh38, 1-based): chr6:56,618,807, C>G on the plus strand (G>C on the coding strand, the complement: DST is on the minus strand). VCF-style: chr6-56618807-C-G. GRCh37 (hg19) VCF-style: chr6-56483605-C-G.
Other names: c.4831-4323G>C (NM_001144769.5); c.4930-4323G>C (NM_001374722.1, NM_001374736.1); c.4957-4323G>C (NM_001374734.1); c.4417-4323G>C (NM_001144770.2); c.4297-4323G>C (NM_001374730.1, NM_001386100.1, NM_183380.4 and 1 more transcripts); c.3319-4323G>C (NM_015548.5); short protein forms E1743Q.
Identifiers: ClinVar variation 966735 (VCV000966735.10), dbSNP rs2098656315, ClinGen allele CA364567857.
Genomic context (GRCh38, chr6:56,618,807, plus strand): 5'-CCATTAATTTTTCCATCTTCTTCCGAAACTCCTCTGCTGATTGTTTGAATTTACCAGATT[C>G]TTCCTGAAACAGAACCATCTTTCTGTGGGTCATCTGCTCCTCTATGGTCTTTAAGTGTAA-3'
Protein context (NP_001714.1, residues 1733-1753): THRKMVLFQE[Glu1743Gln]SGKFKQSAEE